The following is an entry in ClinVar:

NM_025193.4(HSD3B7):c.796A>C (p.Arg266=)

Gene: HSD3B7 (hydroxy-delta-5-steroid dehydrogenase, 3 beta- and steroid delta-isomerase 7; plus strand). Cytogenetic location: 16p11.2.
Variant type: single nucleotide variant.
Coding change: c.796A>C on transcript NM_025193.4 (MANE Select); coding-DNA position 796, A replaced by C.
Protein change: p.Arg266=; no amino-acid change (arginine 266 retained).
Molecular consequence: synonymous variant. On other transcripts: 3 prime UTR variant (2).
Genome position (GRCh38, 1-based): chr16:30,987,869, A>C. VCF-style: chr16-30987869-A-C. GRCh37 (hg19) VCF-style: chr16-30999190-A-C.
Other names: c.*42A>C (NM_001142777.2, NM_001142778.2).
Identifiers: ClinVar variation 3051430 (VCV003051430.3), dbSNP rs756816052, ClinGen allele CA8018117.

ClinVar aggregate classification (germline): Likely benign. Review status: criteria provided, single submitter (1 of 4 stars). 2 submissions from 2 submitters: Likely benign (1). 1 of the submissions does not count toward it. Last evaluated 2025-07-08.

Conditions:
HSD3B7-related disorder. Also called: HSD3B7-related condition.

Allele frequency attached by ClinVar (database versions not stated): ExAC 0.00001; gnomAD 0.00003; TOPMed 0.00003; gnomAD exomes 0.00004.
gnomAD v4.1: 61 of 1,613,832 alleles (0.0038%); highest among the groups gnomAD compares: Non-Finnish European, 0.0049%; no homozygotes.

Submissions (2):

Labcorp Genetics (formerly Invitae), Labcorp
Classification: Likely benign. Last evaluated: 2025-07-08. Review status: criteria provided, single submitter. Criteria: Invitae Variant Classification Sherloc (09022015). Collection method: clinical testing. Allele origin: germline.

PreventionGenetics, part of Exact Sciences
Classification: Likely benign for HSD3B7-related condition. Last evaluated: 2022-11-10. Review status: no assertion criteria provided. Collection method: clinical testing. Allele origin: germline. Not counted in ClinVar's aggregate classification.
Comment: This variant is classified as likely benign based on ACMG/AMP sequence variant interpretation guidelines (Richards et al. 2015 PMID: 25741868, with internal and published modifications).